The following is an entry in ClinVar:

ClinVar aggregate classification (germline): Uncertain significance (1 of 4 stars; one submission).

gnomAD v4.1: 1 of 1,614,008 alleles (0.000062%); highest among the groups gnomAD compares: Non-Finnish European, 0.000085%; no homozygotes.

Submission:

Labcorp Genetics (formerly Invitae), Labcorp
Classification: Uncertain significance. Last evaluated: 2025-04-23. Review status: criteria provided, single submitter. Criteria: Invitae Variant Classification Sherloc (09022015). Collection method: clinical testing. Allele origin: germline.
Comment: This sequence change replaces arginine, which is basic and polar, with histidine, which is basic and polar, at codon 59 of the PSENEN protein (p.Arg59His). This variant is present in population databases (no rsID available, gnomAD 0.002%). This variant has not been reported in the literature in individuals affected with PSENEN-related conditions. ClinVar contains an entry for this variant (Variation ID: 3649730). An algorithm developed to predict the effect of missense changes on protein structure and function (PolyPhen-2) suggests that this variant is likely to be tolerated. In summary, the available evidence is currently insufficient to determine the role of this variant in disease. Therefore, it has been classified as a Variant of Uncertain Significance.

NM_172341.4(PSENEN):c.176G>A (p.Arg59His)

Gene: PSENEN (presenilin enhancer, gamma-secretase subunit; plus strand). Cytogenetic location: 19q13.12.
Variant type: single nucleotide variant.
Coding change: c.176G>A on transcript NM_172341.4 (MANE Select); coding-DNA position 176, G replaced by A.
Protein change: p.Arg59His; replaces arginine 59 with histidine.
Molecular consequence: missense variant.
Genome position (GRCh38, 1-based): chr19:35,746,717, G>A. VCF-style: chr19-35746717-G-A. GRCh37 (hg19) VCF-style: chr19-36237618-G-A.
Other names: c.176G>A, p.Arg59His (NM_001281532.3); short protein forms R59H.
Identifiers: ClinVar variation 3649730 (VCV003649730.2).